The following is an entry in ClinVar:

ClinVar aggregate classification (germline): Uncertain significance (1 of 4 stars; one submission).

Submission:

CeGaT Center for Human Genetics Tuebingen
Classification: Uncertain significance. Last evaluated: 2026-08-01. Review status: criteria provided, single submitter. Criteria: CeGaT Center For Human Genetics Tuebingen Variant Classification Criteria Version 2. Collection method: clinical testing. Allele origin: germline. Affected: yes. Observed: 1 variant allele.
Comment: GABBR2: PM2

NM_005458.8(GABBR2):c.2275C>T (p.Arg759Ter)

Gene: GABBR2 (gamma-aminobutyric acid type B receptor subunit 2; minus strand). Cytogenetic location: 9q22.33.
Variant type: single nucleotide variant.
Coding change: c.2275C>T on transcript NM_005458.8 (MANE Select); coding-DNA position 2275, C replaced by T.
Protein change: p.Arg759Ter; replaces arginine 759 with a stop codon.
Molecular consequence: nonsense.
Genome position (GRCh38, 1-based): chr9:98,303,378, G>A on the plus strand (C>T on the coding strand, the complement: GABBR2 is on the minus strand). VCF-style: chr9-98303378-G-A. GRCh37 (hg19) VCF-style: chr9-101065660-G-A.
Other names: short protein forms R759*.
Identifiers: ClinVar variation 5039515 (VCV005039515.1).